The following is an entry in ClinVar:

ClinVar aggregate classification (germline): Uncertain significance (1 of 4 stars; one submission).

Submission:

Labcorp Genetics (formerly Invitae), Labcorp
Classification: Uncertain significance. Last evaluated: 2025-08-18. Review status: criteria provided, single submitter. Criteria: Invitae Variant Classification Sherloc (09022015). Collection method: clinical testing. Allele origin: germline.
Comment: This sequence change replaces isoleucine, which is neutral and non-polar, with asparagine, which is neutral and polar, at codon 54 of the TYMP protein (p.Ile54Asn). This variant is not present in population databases (gnomAD no frequency). This variant has not been reported in the literature in individuals affected with TYMP-related conditions. ClinVar contains an entry for this variant (Variation ID: 2100082). Invitae Evidence Modeling of protein sequence and biophysical properties (such as structural, functional, and spatial information, amino acid conservation, physicochemical variation, residue mobility, and thermodynamic stability) indicates that this missense variant is expected to disrupt TYMP protein function with a positive predictive value of 95%. In summary, the available evidence is currently insufficient to determine the role of this variant in disease. Therefore, it has been classified as a Variant of Uncertain Significance.

NM_001953.5(TYMP):c.161T>A (p.Ile54Asn)

Gene: TYMP (thymidine phosphorylase; minus strand). Cytogenetic location: 22q13.33.
Variant type: single nucleotide variant.
Coding change: c.161T>A on transcript NM_001953.5 (MANE Select); coding-DNA position 161, T replaced by A.
Protein change: p.Ile54Asn; replaces isoleucine 54 with asparagine.
Molecular consequence: missense variant.
Genome position (GRCh38, 1-based): chr22:50,529,549, A>T on the plus strand (T>A on the coding strand, the complement: TYMP is on the minus strand). VCF-style: chr22-50529549-A-T. GRCh37 (hg19) VCF-style: chr22-50967978-A-T.
Other names: c.161T>A, p.Ile54Asn (NM_001113755.3, NM_001113756.3, NM_001257988.1 and 1 more transcripts); short protein forms I54N.
Identifiers: ClinVar variation 2100082 (VCV002100082.4), dbSNP rs2522550800, ClinGen allele CA412202596.